The following is an entry in ClinVar:

ClinVar aggregate classification (germline): Uncertain significance (1 of 4 stars; one submission).

Conditions:
Dyskeratosis congenita. Identifiers: Orphanet 1775, MedGen C0265965, MONDO:0015780.

Allele frequency attached by ClinVar (database versions not stated): gnomAD exomes below 0.00001 and 0.00001; ExAC 0.00001; gnomAD 0.00001 and 0.00002; TOPMed 0.00001; 1000 Genomes Project 30x 0.00016; 1000 Genomes Project 0.00020.
gnomAD v4.1: 5 of 1,524,956 alleles (0.00033%); highest among the groups gnomAD compares: African/African-American, 0.0056%; no homozygotes.

Submission:

Labcorp Genetics (formerly Invitae), Labcorp
Classification: Uncertain significance for Dyskeratosis congenita. Last evaluated: 2022-02-03. Review status: criteria provided, single submitter. Criteria: Invitae Variant Classification Sherloc (09022015). Collection method: clinical testing. Allele origin: germline.
Comment: This sequence change replaces threonine, which is neutral and polar, with isoleucine, which is neutral and non-polar, at codon 714 of the CTC1 protein (p.Thr714Ile). This variant is present in population databases (rs547897675, gnomAD 0.01%). This variant has not been reported in the literature in individuals affected with CTC1-related conditions. ClinVar contains an entry for this variant (Variation ID: 1019656). Algorithms developed to predict the effect of missense changes on protein structure and function output the following: SIFT: "Tolerated"; PolyPhen-2: "Benign"; Align-GVGD: "Class C0". The isoleucine amino acid residue is found in multiple mammalian species, which suggests that this missense change does not adversely affect protein function. In summary, the available evidence is currently insufficient to determine the role of this variant in disease. Therefore, it has been classified as a Variant of Uncertain Significance.

NM_025099.6(CTC1):c.2141C>T (p.Thr714Ile)

Gene: CTC1 (CST telomere replication complex component 1; minus strand). Cytogenetic location: 17p13.1.
Variant type: single nucleotide variant.
Coding change: c.2141C>T on transcript NM_025099.6 (MANE Select); coding-DNA position 2141, C replaced by T.
Protein change: p.Thr714Ile; replaces threonine 714 with isoleucine.
Molecular consequence: missense variant. On other transcripts: non-coding transcript variant (1).
Genome position (GRCh38, 1-based): chr17:8,232,147, G>A on the plus strand (C>T on the coding strand, the complement: CTC1 is on the minus strand). VCF-style: chr17-8232147-G-A. GRCh37 (hg19) VCF-style: chr17-8135465-G-A.
Other names: short protein forms T714I.
Identifiers: ClinVar variation 1019656 (VCV001019656.9), dbSNP rs547897675, ClinGen allele CA8372156.